The following is an entry in ClinVar:

ClinVar aggregate classification (germline): Uncertain significance (1 of 4 stars; one submission).

Conditions:
Periodic fever-infantile enterocolitis-autoinflammatory syndrome. Also called: Autoinflammation with infantile enterocolitis. Identifiers: Orphanet 436166, MedGen C4015067, MONDO:0014472, OMIM 616050.
Familial cold autoinflammatory syndrome 4 (FCAS4). Identifiers: Orphanet 47045, Orphanet 576349, MedGen C4015276, MONDO:0014498, OMIM 616115.

gnomAD v4.1: 3 of 1,614,102 alleles (0.00019%); highest among the groups gnomAD compares: East Asian, 0.0067%; no homozygotes.

Submission:

Labcorp Genetics (formerly Invitae), Labcorp
Classification: Uncertain significance for Periodic fever-infantile enterocolitis-autoinflammatory syndrome; Familial cold autoinflammatory syndrome 4. Last evaluated: 2025-04-27. Review status: criteria provided, single submitter. Criteria: Invitae Variant Classification Sherloc (09022015). Collection method: clinical testing. Allele origin: germline.
Comment: This sequence change replaces leucine, which is neutral and non-polar, with proline, which is neutral and non-polar, at codon 185 of the NLRC4 protein (p.Leu185Pro). This variant is not present in population databases (gnomAD no frequency). This variant has not been reported in the literature in individuals affected with NLRC4-related conditions. Invitae Evidence Modeling of protein sequence and biophysical properties (such as structural, functional, and spatial information, amino acid conservation, physicochemical variation, residue mobility, and thermodynamic stability) indicates that this missense variant is expected to disrupt NLRC4 protein function with a positive predictive value of 80%. In summary, the available evidence is currently insufficient to determine the role of this variant in disease. Therefore, it has been classified as a Variant of Uncertain Significance.

NM_001199138.2(NLRC4):c.554T>C (p.Leu185Pro)

Gene: NLRC4 (NLR family CARD domain containing 4; minus strand). Cytogenetic location: 2p22.3.
Variant type: single nucleotide variant.
Coding change: c.554T>C on transcript NM_001199138.2 (MANE Select); coding-DNA position 554, T replaced by C.
Protein change: p.Leu185Pro; replaces leucine 185 with proline.
Molecular consequence: missense variant. On other transcripts: intron variant (1).
Genome position (GRCh38, 1-based): chr2:32,251,310, A>G on the plus strand (T>C on the coding strand, the complement: NLRC4 is on the minus strand). VCF-style: chr2-32251310-A-G. GRCh37 (hg19) VCF-style: chr2-32476379-A-G.
Other names: c.554T>C, p.Leu185Pro (NM_001199139.2, NM_021209.5); c.262+1109T>C (NM_001302504.1); short protein forms L185P.
Identifiers: ClinVar variation 4782967 (VCV004782967.1).
Genomic context (GRCh38, chr2:32,251,310, plus strand): 5'-AGACGGAGGAAGAAGACGAATTTGAACTTGGTCAGAGCCTTGCACTTTCCGGAGCCCCAG[A>G]GCATGGCAATTCGCTGCAGCAGAGTGGACTTGCCTTTGCCAGATTCCCCTTCAATGATGC-3'
Protein context (NP_001186067.1, residues 175-195): KSTLLQRIAM[Leu185Pro]WGSGKCKALT